The following is an entry in ClinVar:

ClinVar aggregate classification (germline): Benign. Review status: criteria provided, single submitter (1 of 4 stars). 2 submissions from 2 submitters: Benign (1). 1 of the submissions does not count toward it. Last evaluated 2022-09-01.

Conditions:
EHMT1-related disorder. Also called: EHMT1-related condition.

Allele frequency attached by ClinVar (database versions not stated): gnomAD exomes 0.00034; ExAC 0.00137; gnomAD 0.00347; TOPMed 0.00379; 1000 Genomes Project 30x 0.00593; 1000 Genomes Project 0.00639.
gnomAD v4.1: 637 of 470,174 alleles (0.14%); highest among the groups gnomAD compares: African/African-American, 1.2%; 5 homozygotes.

Submissions (2):

CeGaT Center for Human Genetics Tuebingen
Classification: Benign. Last evaluated: 2022-09-01. Review status: criteria provided, single submitter. Criteria: CeGaT Center For Human Genetics Tuebingen Variant Classification Criteria Version 2. Collection method: clinical testing. Allele origin: germline. Affected: yes. Observed: 1 variant allele.
Comment: EHMT1: BS1, BS2

PreventionGenetics, part of Exact Sciences
Classification: Benign for EHMT1-related condition. Last evaluated: 2019-06-14. Review status: no assertion criteria provided. Collection method: clinical testing. Allele origin: germline. Not counted in ClinVar's aggregate classification.
Comment: This variant is classified as benign based on ACMG/AMP sequence variant interpretation guidelines (Richards et al. 2015 PMID: 25741868, with internal and published modifications).

NM_024757.5(EHMT1):c.2505+1146T>G

Gene: EHMT1 (euchromatic histone lysine methyltransferase 1; plus strand). Cytogenetic location: 9q34.3.
Variant type: single nucleotide variant.
Coding change: c.2505+1146T>G on transcript NM_024757.5 (MANE Select); 1146 bases into the intron after coding-DNA position 2505, T replaced by G.
Molecular consequence: intron variant. On other transcripts: missense variant (1).
Genome position (GRCh38, 1-based): chr9:137,792,116, T>G. VCF-style: chr9-137792116-T-G. GRCh37 (hg19) VCF-style: chr9-140686568-T-G.
Other names: c.2474T>G, p.Leu825Trp (NM_001354259.2); c.2484+1146T>G (NM_001354263.2); c.2474T>G (NM_001354259.1); short protein forms L825W.
Identifiers: ClinVar variation 2659839 (VCV002659839.25), dbSNP rs79635856, ClinGen allele CA5374967.